The following is an entry in ClinVar:

NM_017617.5(NOTCH1):c.2587+20G>A

Gene: NOTCH1 (notch receptor 1; minus strand). Cytogenetic location: 9q34.3.
Variant type: single nucleotide variant.
Coding change: c.2587+20G>A on transcript NM_017617.5 (MANE Select); 20 bases into the intron after coding-DNA position 2587, G replaced by A.
Molecular consequence: intron variant.
Genome position (GRCh38, 1-based): chr9:136,511,132, C>T on the plus strand (G>A on the coding strand, the complement: NOTCH1 is on the minus strand). VCF-style: chr9-136511132-C-T. GRCh37 (hg19) VCF-style: chr9-139405584-C-T.
Other names: c.2587+20G>A (NM_017617.4, LRG_1122t1).
Identifiers: ClinVar variation 386364 (VCV000386364.21), dbSNP rs148381982, ClinGen allele CA5341260.

ClinVar aggregate classification (germline): Benign. Review status: criteria provided, multiple submitters, no conflicts (2 of 4 stars). 9 submissions from 8 submitters: Benign (7). 2 of the submissions do not count toward it. Last evaluated 2026-02-04.

Conditions:
Aortic valve disease 1 (AOVD1). Identifiers: MedGen C3887892, MONDO:0024523, OMIM 109730.
Adams-Oliver syndrome 5 (AOS5). Identifiers: Orphanet 974, MedGen C4014970, MONDO:0014459, OMIM 616028.

Allele frequency attached by ClinVar (database versions not stated): ESP Exome Variant Server 0.02220; 1000 Genomes Project 30x 0.01124; 1000 Genomes Project 0.01198; ExAC 0.01633; gnomAD exomes 0.01686 and 0.01801; gnomAD 0.01933 and 0.01991; TOPMed 0.02001.
gnomAD v4.1: 29,577 of 1,612,852 alleles (1.8%); highest among the groups gnomAD compares: Middle Eastern, 6.6%; 384 homozygotes.

Submissions (9):

Labcorp Genetics (formerly Invitae), Labcorp
Classification: Benign for Adams-Oliver syndrome 5. Last evaluated: 2026-02-04. Review status: criteria provided, single submitter. Criteria: Invitae Variant Classification Sherloc (09022015). Collection method: clinical testing. Allele origin: germline.

ARUP Laboratories, Molecular Genetics and Genomics, ARUP Laboratories
Classification: Benign. Last evaluated: 2025-07-29. Review status: criteria provided, single submitter. Criteria: ARUP Molecular Germline Variant Investigation Process 2024. Collection method: clinical testing. Allele origin: germline.

Women's Health and Genetics/Laboratory Corporation of America, LabCorp
Classification: Benign. Last evaluated: 2023-07-21. Review status: criteria provided, single submitter. Criteria: LabCorp Variant Classification Summary - May 2015. Collection method: clinical testing. Allele origin: germline.

Genome-Nilou Lab
Classification: Benign for Adams-Oliver syndrome 5. Last evaluated: 2022-03-15. Review status: criteria provided, single submitter. Criteria: ACMG Guidelines, 2015. Collection method: clinical testing. Allele origin: germline. Affected: no.

Genome-Nilou Lab
Classification: Benign for Aortic valve disease 1. Last evaluated: 2022-03-15. Review status: criteria provided, single submitter. Criteria: ACMG Guidelines, 2015. Collection method: clinical testing. Allele origin: germline. Affected: no.

GeneDx
Classification: Benign. Last evaluated: 2016-10-10. Review status: criteria provided, single submitter. Criteria: GeneDx Variant Classification (06012015). Collection method: clinical testing. Allele origin: germline. Affected: yes.
Comment: This variant is considered likely benign or benign based on one or more of the following criteria: it is a conservative change, it occurs at a poorly conserved position in the protein, it is predicted to be benign by multiple in silico algorithms, and/or has population frequency not consistent with disease.

Breakthrough Genomics
Classification: Benign. Review status: criteria provided, single submitter. Criteria: ACMG Guidelines, 2015. Collection method: not provided. Allele origin: germline. Inheritance: Autosomal dominant inheritance. Affected: yes.

Genome Diagnostics Laboratory, Amsterdam University Medical Center
Classification: Benign. Review status: no assertion criteria provided. Collection method: clinical testing. Allele origin: germline. Affected: yes. Study: VKGL Data-share Consensus. Not counted in ClinVar's aggregate classification.

Joint Genome Diagnostic Labs from Nijmegen and Maastricht, Radboudumc and MUMC+
Classification: Benign. Review status: no assertion criteria provided. Collection method: clinical testing. Allele origin: germline. Affected: yes. Study: VKGL Data-share Consensus. Not counted in ClinVar's aggregate classification.

Literature cited by the submitters: PubMed 16614245 (cited by Women's Health and Genetics/Laboratory Corporation of America, LabCorp); PubMed 19635999 (cited by Women's Health and Genetics/Laboratory Corporation of America, LabCorp); PubMed 19245433 (cited by Women's Health and Genetics/Laboratory Corporation of America, LabCorp); PubMed 22858860 (cited by Women's Health and Genetics/Laboratory Corporation of America, LabCorp).